The following is an entry in ClinVar:

ClinVar aggregate classification (germline): Uncertain significance (1 of 4 stars; one submission).

Conditions:
Dilated cardiomyopathy 1JJ (CMD1JJ). Identifiers: Orphanet 154, MedGen C3808935, MONDO:0014095, OMIM 615235.

Submission:

Labcorp Genetics (formerly Invitae), Labcorp
Classification: Uncertain significance for Dilated cardiomyopathy 1JJ. Last evaluated: 2022-01-14. Review status: criteria provided, single submitter. Criteria: Invitae Variant Classification Sherloc (09022015). Collection method: clinical testing. Allele origin: germline.
Comment: This sequence change replaces threonine, which is neutral and polar, with alanine, which is neutral and non-polar, at codon 1646 of the LAMA4 protein (p.Thr1646Ala). This variant is not present in population databases (gnomAD no frequency). This variant has not been reported in the literature in individuals affected with LAMA4-related conditions. Algorithms developed to predict the effect of missense changes on protein structure and function output the following: SIFT: "Deleterious"; PolyPhen-2: "Benign"; Align-GVGD: "Class C0". The alanine amino acid residue is found in multiple mammalian species, which suggests that this missense change does not adversely affect protein function. Algorithms developed to predict the effect of sequence changes on RNA splicing suggest that this variant may create or strengthen a splice site. In summary, the available evidence is currently insufficient to determine the role of this variant in disease. Therefore, it has been classified as a Variant of Uncertain Significance.

NM_001105206.3(LAMA4):c.4957A>G (p.Thr1653Ala)

Gene: LAMA4 (laminin subunit alpha 4; minus strand). Cytogenetic location: 6q21.
Variant type: single nucleotide variant.
Coding change: c.4957A>G on transcript NM_001105206.3 (MANE Select); coding-DNA position 4957, A replaced by G.
Protein change: p.Thr1653Ala; replaces threonine 1653 with alanine.
Molecular consequence: missense variant.
Genome position (GRCh38, 1-based): chr6:112,117,763, T>C on the plus strand (A>G on the coding strand, the complement: LAMA4 is on the minus strand). VCF-style: chr6-112117763-T-C. GRCh37 (hg19) VCF-style: chr6-112438966-T-C.
Other names: c.4936A>G, p.Thr1646Ala (NM_001105207.3, NM_002290.5); short protein forms T1653A, T1646A.
Identifiers: ClinVar variation 2055097 (VCV002055097.4), dbSNP rs1554324448, ClinGen allele CA365366178.
Genomic context (GRCh38, chr6:112,117,763, plus strand): 5'-TTTCATGACTCATATTTTTAACATGACTAATGTTACCTAGAACCACGTATCCTCCTTCTG[T>C]TGAAAAGTAAGTTCCTGTTTCCATGGGGCCTTCAAAGCAAGGGGTCACACTGAATGTCTG-3'
Protein context (NP_001098676.2, residues 1643-1663): GPMETGTYFS[Thr1653Ala]EGGYVVLDES